The following is an entry in ClinVar:

ClinVar aggregate classification (germline): Likely pathogenic (1 of 4 stars; one submission).

Submission:

Mayo Clinic Laboratories, Mayo Clinic
Classification: Likely pathogenic. Last evaluated: 2025-04-23. Review status: criteria provided, single submitter. Criteria: ACMG Guidelines, 2015. Collection method: clinical testing. Allele origin: germline. Observed: 1 variant allele.
Comment: PM2_supporting, PVS1

NM_001355436.2(SPTB):c.5661_5662dup (p.Leu1888fs)

Gene: SPTB (spectrin beta, erythrocytic; minus strand). Cytogenetic location: 14q23.3.
Variant type: Microsatellite.
Coding change: c.5661_5662dup on transcript NM_001355436.2 (MANE Select); coding-DNA positions 5661 to 5662, 2 bases duplicated (GC; older notation c.5661_5662dupGC).
Protein change: p.Leu1888fs; shifts the reading frame from leucine 1888.
Molecular consequence: frameshift variant.
Genome position (GRCh38, 1-based): chr14:64,771,021-64,771,022, GC duplicated on the plus strand (GC on the coding strand, the reverse complement: SPTB is on the minus strand); duplicating any 2 consecutive bases within chr14:64,771,021-64,771,024 gives the same sequence; the c. name uses the placement nearest the transcript's 3' end. VCF-style (leftmost placement, unchanged base first): chr14-64771020-A-AGC. GRCh37 (hg19) VCF-style: chr14-65237738-A-AGC.
Other names: p.Leu1888Argfs*13; c.5661_5662dup, p.Leu1888fs (NM_001024858.4, NM_001355437.2); short protein forms L1888fs.
Identifiers: ClinVar variation 4541842 (VCV004541842.1).
Genomic context (GRCh38, chr14:64,771,020, plus strand): 5'-AAGCGGAATTTATCCGCCGTGTCCACTAGCTGGGTCCGGCGCCCGGCACAGGCATCGAGC[A>AGC]GCGCCTGCCACGCGGCAGACACCTCCTGCTCCTTGTTCTGGATGGCCTCTGCCTTCTCCC-3'